The following is an entry in ClinVar:

NM_001286577.2(C2CD3):c.3415A>G (p.Met1139Val)

Gene: C2CD3 (C2 domain containing 3 centriole elongation regulator; minus strand). Cytogenetic location: 11q13.4.
Variant type: single nucleotide variant.
Coding change: c.3415A>G on transcript NM_001286577.2 (MANE Select); coding-DNA position 3415, A replaced by G.
Protein change: p.Met1139Val; replaces methionine 1139 with valine.
Molecular consequence: missense variant.
Genome position (GRCh38, 1-based): chr11:74,092,518, T>C on the plus strand (A>G on the coding strand, the complement: C2CD3 is on the minus strand). VCF-style: chr11-74092518-T-C. GRCh37 (hg19) VCF-style: chr11-73803563-T-C.
Other names: c.3415A>G (NM_015531.4); c.3415A>G, p.Met1139Val (NM_015531.6); short protein forms M1139V.
Identifiers: ClinVar variation 1916379 (VCV001916379.7), dbSNP rs753713943, ClinGen allele CA6182400.

ClinVar aggregate classification (germline): Uncertain significance. Review status: criteria provided, multiple submitters, no conflicts (2 of 4 stars). 2 submissions from 2 submitters: Uncertain significance (2). Last evaluated 2023-06-23.

Conditions:
Inborn genetic diseases. Identifiers: MedGen C0950123, MeSH D030342.

Allele frequency attached by ClinVar (database versions not stated): ExAC 0.00001; gnomAD exomes 0.00001; TOPMed 0.00001; gnomAD 0.00003.

Submissions (2):

Ambry Genetics
Classification: Uncertain significance for Inborn genetic diseases. Last evaluated: 2023-06-23. Review status: criteria provided, single submitter. Criteria: Ambry Variant Classification Scheme 2023. Collection method: clinical testing. Allele origin: germline.

Labcorp Genetics (formerly Invitae), Labcorp
Classification: Uncertain significance. Last evaluated: 2022-07-15. Review status: criteria provided, single submitter. Criteria: Invitae Variant Classification Sherloc (09022015). Collection method: clinical testing. Allele origin: germline.
Comment: This variant has not been reported in the literature in individuals affected with C2CD3-related conditions. This variant is present in population databases (rs753713943, gnomAD 0.02%). This sequence change replaces methionine, which is neutral and non-polar, with valine, which is neutral and non-polar, at codon 1139 of the C2CD3 protein (p.Met1139Val). In summary, the available evidence is currently insufficient to determine the role of this variant in disease. Therefore, it has been classified as a Variant of Uncertain Significance. Algorithms developed to predict the effect of missense changes on protein structure and function output the following: SIFT: "Deleterious"; PolyPhen-2: "Benign"; Align-GVGD: "Class C0". The valine amino acid residue is found in multiple mammalian species, which suggests that this missense change does not adversely affect protein function.